The following is an entry in ClinVar:

NM_001164508.2(NEB):c.19916C>A (p.Ala6639Asp)

Gene: NEB (nebulin; minus strand). Cytogenetic location: 2q23.3.
Variant type: single nucleotide variant.
Coding change: c.19916C>A on transcript NM_001164508.2 (MANE Select); coding-DNA position 19916, C replaced by A.
Protein change: p.Ala6639Asp; replaces alanine 6639 with aspartic acid.
Molecular consequence: missense variant.
Genome position (GRCh38, 1-based): chr2:151,551,766, G>T on the plus strand (C>A on the coding strand, the complement: NEB is on the minus strand). VCF-style: chr2-151551766-G-T. GRCh37 (hg19) VCF-style: chr2-152408280-G-T.
Other names: c.19916C>A, p.Ala6639Asp (NM_001164507.2, NM_001271208.2); c.14813C>A, p.Ala4938Asp (NM_004543.5); short protein forms A4938D, A6639D.
Identifiers: ClinVar variation 1399935 (VCV001399935.7), dbSNP rs2153647567, ClinGen allele CA348787193.

ClinVar aggregate classification (germline): Uncertain significance (1 of 4 stars; one submission).

Conditions:
Nemaline myopathy 2 (NEM2). Also called: Nemaline myopathy 2, autosomal recessive. Identifiers: MedGen C1850569, MONDO:0009725, OMIM 256030.

gnomAD v4.1: 1 of 1,613,564 alleles (0.000062%); highest among the groups gnomAD compares: Admixed American, 0.0017%; no homozygotes.

Submission:

Labcorp Genetics (formerly Invitae), Labcorp
Classification: Uncertain significance for Nemaline myopathy 2. Last evaluated: 2022-07-06. Review status: criteria provided, single submitter. Criteria: Invitae Variant Classification Sherloc (09022015). Collection method: clinical testing. Allele origin: germline.
Comment: This sequence change replaces alanine, which is neutral and non-polar, with aspartic acid, which is acidic and polar, at codon 6639 of the NEB protein (p.Ala6639Asp). This variant is not present in population databases (gnomAD no frequency). This variant has not been reported in the literature in individuals affected with NEB-related conditions. ClinVar contains an entry for this variant (Variation ID: 1399935). Algorithms developed to predict the effect of missense changes on protein structure and function are either unavailable or do not agree on the potential impact of this missense change (SIFT: "Deleterious"; PolyPhen-2: "Not Available"; Align-GVGD: "Class C0"). In summary, the available evidence is currently insufficient to determine the role of this variant in disease. Therefore, it has been classified as a Variant of Uncertain Significance.